The following is an entry in ClinVar:

ClinVar aggregate classification (germline): Likely benign. Review status: criteria provided, multiple submitters, no conflicts (2 of 4 stars). 3 submissions from 3 submitters: Likely benign (3). Last evaluated 2026-01-27.

Conditions:
Juvenile polyposis syndrome (JPS). Identifiers: Orphanet 2929, MedGen C0345893, MONDO:0017380, OMIM 174900.
Hereditary cancer-predisposing syndrome. Also called: Tumor predisposition; Neoplastic Syndromes, Hereditary; Hereditary Cancer Syndrome; Hereditary neoplastic syndrome. Identifiers: Orphanet 140162, MedGen C0027672, MeSH D009386, MONDO:0015356.

Submissions (3):

Labcorp Genetics (formerly Invitae), Labcorp
Classification: Likely benign for Juvenile polyposis syndrome. Last evaluated: 2026-01-27. Review status: criteria provided, single submitter. Criteria: Invitae Variant Classification Sherloc (09022015). Collection method: clinical testing. Allele origin: germline.

Color Diagnostics, LLC DBA Color Health
Classification: Likely benign for Hereditary cancer-predisposing syndrome. Last evaluated: 2017-04-24. Review status: criteria provided, single submitter. Criteria: ACMG Guidelines, 2015. Collection method: clinical testing. Allele origin: germline.

GeneDx
Classification: Likely benign. Last evaluated: 2016-03-23. Review status: criteria provided, single submitter. Criteria: GeneDx Variant Classification (06012015). Collection method: clinical testing. Allele origin: germline. Affected: yes.
Comment: This variant is considered likely benign or benign based on one or more of the following criteria: it is a conservative change, it occurs at a poorly conserved position in the protein, it is predicted to be benign by multiple in silico algorithms, and/or has population frequency not consistent with disease.

NM_005359.6(SMAD4):c.905-19_905-17del

Gene: SMAD4 (SMAD family member 4; plus strand). Cytogenetic location: 18q21.2.
Variant type: Deletion.
Coding change: c.905-19_905-17del on transcript NM_005359.6 (MANE Select); 19 bases into the intron before coding-DNA position 905 through 17 bases into the intron before coding-DNA position 905, 3 bases deleted (TTT; older notation c.905-19_905-17delTTT).
Molecular consequence: intron variant.
Genome position (GRCh38, 1-based): chr18:51,059,847-51,059,849, TTT deleted; deleting any 3 consecutive bases within chr18:51,059,845-51,059,849 gives the same sequence; the c. name uses the placement nearest the transcript's 3' end. VCF-style (leftmost placement, unchanged base first): chr18-51059844-ATTT-A. GRCh37 (hg19) VCF-style: chr18-48586214-ATTT-A.
Other names: c.905-19_905-17delTTT (NM_005359.5).
Identifiers: ClinVar variation 418500 (VCV000418500.11), dbSNP rs746847153, ClinGen allele CA8965952.